The following is an entry in ClinVar:

ClinVar aggregate classification (germline): Uncertain significance. Review status: criteria provided, multiple submitters, no conflicts (2 of 4 stars). 2 submissions from 2 submitters: Uncertain significance (2). Last evaluated 2022-10-26.

Conditions:
Inborn genetic diseases. Identifiers: MedGen C0950123, MeSH D030342.

Allele frequency attached by ClinVar (database versions not stated): gnomAD exomes below 0.00001.
gnomAD v4.1: 2 of 1,589,762 alleles (0.00013%); highest among the groups gnomAD compares: East Asian, 0.0023%; no homozygotes.

Submissions (2):

Ambry Genetics
Classification: Uncertain significance for Inborn genetic diseases. Last evaluated: 2022-10-26. Review status: criteria provided, single submitter. Criteria: Ambry Variant Classification Scheme 2023. Collection method: clinical testing. Allele origin: germline.

Labcorp Genetics (formerly Invitae), Labcorp
Classification: Uncertain significance. Last evaluated: 2021-06-09. Review status: criteria provided, single submitter. Criteria: Invitae Variant Classification Sherloc (09022015). Collection method: clinical testing. Allele origin: germline.
Comment: This variant has not been reported in the literature in individuals with BCL11B-related conditions. This sequence change replaces alanine with valine at codon 152 of the BCL11B protein (p.Ala152Val). The alanine residue is moderately conserved and there is a small physicochemical difference between alanine and valine. This variant is not present in population databases (ExAC no frequency). Algorithms developed to predict the effect of missense changes on protein structure and function are either unavailable or do not agree on the potential impact of this missense change (SIFT: "Deleterious"; PolyPhen-2: "Benign"; Align-GVGD: "Class C0"). In summary, the available evidence is currently insufficient to determine the role of this variant in disease. Therefore, it has been classified as a Variant of Uncertain Significance.

NM_138576.4(BCL11B):c.455C>T (p.Ala152Val)

Gene: BCL11B (BCL11 transcription factor B; minus strand). Cytogenetic location: 14q32.2.
Variant type: single nucleotide variant.
Coding change: c.455C>T on transcript NM_138576.4 (MANE Select); coding-DNA position 455, C replaced by T.
Protein change: p.Ala152Val; replaces alanine 152 with valine.
Molecular consequence: missense variant. On other transcripts: intron variant (2).
Genome position (GRCh38, 1-based): chr14:99,231,530, G>A on the plus strand (C>T on the coding strand, the complement: BCL11B is on the minus strand). VCF-style: chr14-99231530-G-A. GRCh37 (hg19) VCF-style: chr14-99697867-G-A.
Other names: c.455C>T (NM_138576.2); c.452C>T, p.Ala151Val (NM_001282237.2); c.424+25941C>T (NM_001282238.2); c.427+25941C>T (NM_022898.3); short protein forms A151V, A152V.
Identifiers: ClinVar variation 1462640 (VCV001462640.9), dbSNP rs1201537871, ClinGen allele CA390937480.